The following is an entry in ClinVar:

ClinVar aggregate classification (germline): Uncertain significance (1 of 4 stars; one submission).

Submission:

GeneDx
Classification: Uncertain significance. Last evaluated: 2019-05-15. Review status: criteria provided, single submitter. Criteria: GeneDx Variant Classification Process June 2021. Collection method: clinical testing. Allele origin: germline. Affected: yes.
Comment: Not observed in large population cohorts (Lek et al., 2016); In silico analysis, which includes protein predictors and evolutionary conservation, supports a deleterious effect; Has not been previously published as pathogenic or benign to our knowledge

NM_031407.7(HUWE1):c.11809C>G (p.Arg3937Gly)

Gene: HUWE1 (HECT, UBA and WWE domain containing E3 ubiquitin protein ligase 1; minus strand). Cytogenetic location: Xp11.22.
Variant type: single nucleotide variant.
Coding change: c.11809C>G on transcript NM_031407.7 (MANE Select); coding-DNA position 11809, C replaced by G.
Protein change: p.Arg3937Gly; replaces arginine 3937 with glycine.
Molecular consequence: missense variant.
Genome position (GRCh38, 1-based): chrX:53,538,904, G>C on the plus strand (C>G on the coding strand, the complement: HUWE1 is on the minus strand). VCF-style: chrX-53538904-G-C. GRCh37 (hg19) VCF-style: chrX-53565865-G-C.
Other names: short protein forms R3937G.
Identifiers: ClinVar variation 1305618 (VCV001305618.2), dbSNP rs2146961040, ClinGen allele CA413158004.